The following is an entry in ClinVar:

NM_007194.4(CHEK2):c.1028T>C (p.Ile343Thr)

Gene: CHEK2 (checkpoint kinase 2; minus strand). Cytogenetic location: 22q12.1.
Variant type: single nucleotide variant.
Coding change: c.1028T>C on transcript NM_007194.4 (MANE Select); coding-DNA position 1028, T replaced by C.
Protein change: p.Ile343Thr; replaces isoleucine 343 with threonine.
Molecular consequence: missense variant. On other transcripts: intron variant (3).
Genome position (GRCh38, 1-based): chr22:28,696,968, A>G on the plus strand (T>C on the coding strand, the complement: CHEK2 is on the minus strand). VCF-style: chr22-28696968-A-G. GRCh37 (hg19) VCF-style: chr22-29092956-A-G.
Other names: c.1157T>C, p.Ile386Thr (NM_001005735.3); c.365T>C, p.Ile122Thr (NM_001257387.3, NM_001437942.1); c.827T>C, p.Ile276Thr (NM_001349956.3); c.1121T>C, p.Ile374Thr (NM_001438293.1); c.1009-1095T>C (NM_145862.3); c.1102-1095T>C (NM_001438295.1); c.1138-1095T>C (NM_001438294.1); short protein forms I343T, I276T, I386T, I122T, I374T.
Identifiers: ClinVar variation 216640 (VCV000216640.27), dbSNP rs863224746, ClinGen allele CA336032.

ClinVar aggregate classification (germline): Uncertain significance. Review status: criteria provided, multiple submitters, no conflicts (2 of 4 stars). 7 submissions from 7 submitters: Uncertain significance (6). 1 of the submissions does not count toward it. Last evaluated 2025-08-25.

Conditions:
Hereditary cancer-predisposing syndrome. Also called: Hereditary Cancer Syndrome; Hereditary neoplastic syndrome; Neoplastic Syndromes, Hereditary; Tumor predisposition. Identifiers: Orphanet 140162, MedGen C0027672, MeSH D009386, MONDO:0015356.
Familial cancer of breast. Also called: Hereditary breast cancer; BREAST CANCER, FAMILIAL; hereditary breast carcinoma. Identifiers: Orphanet 227535, MedGen C0346153, MONDO:0016419, OMIM 114480. Disease mechanism: loss of function.

Allele frequency attached by ClinVar (database versions not stated): TOPMed below 0.00001.
gnomAD v4.1: 3 of 1,612,654 alleles (0.00019%); highest among the groups gnomAD compares: Non-Finnish European, 0.00025%; no homozygotes.

Submissions (7):

Labcorp Genetics (formerly Invitae), Labcorp
Classification: Uncertain significance for Familial cancer of breast. Last evaluated: 2025-08-25. Review status: criteria provided, single submitter. Criteria: Invitae Variant Classification Sherloc (09022015). Collection method: clinical testing. Allele origin: germline.
Comment: This sequence change replaces isoleucine, which is neutral and non-polar, with threonine, which is neutral and polar, at codon 343 of the CHEK2 protein (p.Ile343Thr). This variant is not present in population databases (gnomAD no frequency). This variant has not been reported in the literature in individuals affected with CHEK2-related conditions. ClinVar contains an entry for this variant (Variation ID: 216640). An algorithm developed to predict the effect of missense changes on protein structure and function (PolyPhen-2) suggests that this variant is likely to be disruptive. In summary, the available evidence is currently insufficient to determine the role of this variant in disease. Therefore, it has been classified as a Variant of Uncertain Significance.

Ambry Genetics
Classification: Uncertain significance for Hereditary cancer-predisposing syndrome. Last evaluated: 2024-11-05. Review status: criteria provided, single submitter. Criteria: Ambry Variant Classification Scheme 2023. Collection method: clinical testing. Allele origin: germline.
Comment: The p.I343T variant (also known as c.1028T>C), located in coding exon 9 of the CHEK2 gene, results from a T to C substitution at nucleotide position 1028. The isoleucine at codon 343 is replaced by threonine, an amino acid with similar properties. This variant was reported as functionally intermediate and functional respectively in a study assessing CHEK2-complementation through quantification of KAP1 phosphorylation and CHK2 autophosphorylation in human RPE1-CHEK2-knockout cells (Stolarova L et al. Clin Cancer Res, 2023 Aug;29:3037-3050). This variant was reported in 0/60,466 breast cancer cases and in 1/53,461 controls (Dorling et al. N Engl J Med 2021 02;384:428-439). ( et al. N Engl J Med, 2021 Feb;384:428-439). This amino acid position is highly conserved in available vertebrate species. In addition, this alteration is predicted to be deleterious by in silico analysis. Based on the available evidence, the clinical significance of this variant remains unclear.

Myriad Genetics, Inc.
Classification: Uncertain significance for Familial cancer of breast. Last evaluated: 2023-03-08. Review status: criteria provided, single submitter. Criteria: Myriad Autosomal Dominant, Autosomal Recessive and X-Linked Classification Criteria (2023). Collection method: clinical testing. Allele origin: unknown.
Comment: This variant is classified as a variant of uncertain significance as there is insufficient evidence to determine its impact on protein function and/or cancer risk.

GeneDx
Classification: Uncertain significance. Last evaluated: 2022-05-31. Review status: criteria provided, single submitter. Criteria: GeneDx Variant Classification Process June 2021. Collection method: clinical testing. Allele origin: germline. Affected: yes.
Comment: Not observed at significant frequency in large population cohorts (gnomAD); In silico analysis supports that this missense variant has a deleterious effect on protein structure/function; Has not been previously published as pathogenic or benign to our knowledge; This variant is associated with the following publications: (PMID: 22419737, 19782031)

Color Diagnostics, LLC DBA Color Health
Classification: Uncertain significance for Hereditary cancer-predisposing syndrome. Last evaluated: 2021-12-20. Review status: criteria provided, single submitter. Criteria: ACMG Guidelines, 2015. Collection method: clinical testing. Allele origin: germline.
Comment: This missense variant replaces isoleucine with threonine at codon 343 of the CHEK2 protein. Computational prediction suggests that this variant may have deleterious impact on protein structure and function (internally defined REVEL score threshold >= 0.7, PMID: 27666373). To our knowledge, functional studies have not been reported for this variant. This variant has not been reported in individuals affected with hereditary cancer in the literature. This variant has not been identified in the general population by the Genome Aggregation Database (gnomAD). The available evidence is insufficient to determine the role of this variant in disease conclusively. Therefore, this variant is classified as a Variant of Uncertain Significance.

Genetic Services Laboratory, University of Chicago
Classification: Uncertain significance. Last evaluated: 2020-08-27. Review status: criteria provided, single submitter. Criteria: ACMG Guidelines, 2015. Collection method: clinical testing. Allele origin: germline. Affected: no.
Comment: DNA sequence analysis of the CHEK2 gene demonstrated a sequence change, c.1028T>C, in exon 10 that results in an amino acid change, p.Ile343Thr. This sequence change does not appear to have been previously described in patients with CHEK2-related disorders. This sequence change is absent in the gnomAD database. The p.Ile343Thr change affects a highly conserved amino acid residue located in the kinase domain of the CHEK2 protein. The p.Ile343Thr substitution appears to be deleterious using several in-silico pathogenicity prediction tools (SIFT, PolyPhen2, Align GVGD, REVEL). Due to these contrasting evidences and the lack of functional studies, the clinical significance of the p.Ile343Thr change remains unknown at this time.

Counsyl
Classification: Uncertain significance for Familial cancer of breast. Last evaluated: 2017-06-02. Review status: no assertion criteria provided. Collection method: clinical testing. Allele origin: unknown. Not counted in ClinVar's aggregate classification.

Literature cited by the submitters: PubMed 33471991 (cited by Ambry Genetics); PubMed 37449874 (cited by Ambry Genetics).